The following is an entry in ClinVar:

NM_022458.4(LMBR1):c.423+3908dup

Genes: LMBR1 (limb development membrane protein 1; minus strand), ZRS (ZPA regulatory sequence; plus strand). Cytogenetic location: 7q36.3.
Variant type: Duplication.
Coding change: c.423+3908dup on transcript NM_022458.4 (MANE Select); 3908 bases into the intron after coding-DNA position 423, one base duplicated (T; older notation c.423+3908dupT).
Molecular consequence: intron variant.
Genome position (GRCh38, 1-based): chr7:156,792,481, A duplicated on the plus strand (T on the coding strand, the reverse complement: LMBR1 is on the minus strand); the first of 9 consecutive A bases (chr7:156,792,481-156,792,489); duplicating any one gives the same sequence. VCF-style (leftmost placement, unchanged base first): chr7-156792480-T-TA. GRCh37 (hg19) VCF-style: chr7-156585174-T-TA.
Other names: c.360+3908dup (NM_001363412.2); c.144+3908dup (NM_001350954.2); c.423+3908dup (NM_001363410.2, NM_001363409.2, NM_001350953.2); c.-112+3908dup (NM_001350958.2, NM_001350956.2, NM_001350955.2 and 1 more transcripts); c.54+3908dup (NM_001350957.2, NM_001363411.2).
Identifiers: ClinVar variation 3609058 (VCV003609058.2).
Genomic context (GRCh38, chr7:156,792,480, plus strand): 5'-TGGTAAACATTTAACTGCTAATAATAAGTCTAAATTCCAAGATAAAAGTTAGCTGCTTAC[T>TA]AAAAAAAAACTTTTACTTTATCAAAACCATTTCTATGCTCTTACACTTCAGAATTATAAA-3'

ClinVar aggregate classification (germline): Uncertain significance (1 of 4 stars; one submission).

Submission:

Labcorp Genetics (formerly Invitae), Labcorp
Classification: Uncertain significance. Last evaluated: 2025-11-28. Review status: criteria provided, single submitter. Criteria: Invitae Variant Classification Sherloc (09022015). Collection method: clinical testing. Allele origin: germline.
Comment: This sequence change falls in intron 5 of the LMBR1 gene. It does not directly change the encoded amino acid sequence of the LMBR1 protein. This variant is not present in population databases (gnomAD no frequency). This variant has not been reported in the literature in individuals affected with LMBR1-related conditions. ClinVar contains an entry for this variant (Variation ID: 3609058). In summary, the available evidence is currently insufficient to determine the role of this variant in disease. Therefore, it has been classified as a Variant of Uncertain Significance.